The following is an entry in ClinVar:

ClinVar aggregate classification (germline): Uncertain significance (1 of 4 stars; one submission).

Conditions:
Immunodeficiency-centromeric instability-facial anomalies syndrome 2 (ICF2). Identifiers: Orphanet 2268, MedGen C3279748, MONDO:0013553, OMIM 614069.

Allele frequency attached by ClinVar (database versions not stated): gnomAD exomes below 0.00001; ExAC 0.00001.
gnomAD v4.1: 1 of 1,614,254 alleles (0.000062%); highest among the groups gnomAD compares: Admixed American, 0.0017%; no homozygotes.

Submission:

Labcorp Genetics (formerly Invitae), Labcorp
Classification: Uncertain significance for Immunodeficiency-centromeric instability-facial anomalies syndrome 2. Last evaluated: 2018-02-20. Review status: criteria provided, single submitter. Criteria: Invitae Variant Classification Sherloc (09022015). Collection method: clinical testing. Allele origin: germline.
Comment: This sequence change replaces asparagine with serine at codon 604 of the ZBTB24 protein (p.Asn604Ser). The asparagine residue is moderately conserved and there is a small physicochemical difference between asparagine and serine. This variant is present in population databases (rs767566292, ExAC 0.009%). This variant has not been reported in the literature in individuals with ZBTB24-related disease. Algorithms developed to predict the effect of missense changes on protein structure and function output the following: SIFT: "Tolerated"; PolyPhen-2: "Benign"; Align-GVGD: "Class C0". The serine amino acid residue is found in multiple mammalian species, suggesting that this missense change does not adversely affect protein function. These predictions have not been confirmed by published functional studies and their clinical significance is uncertain. In summary, the available evidence is currently insufficient to determine the role of this variant in disease. Therefore, it has been classified as a Variant of Uncertain Significance.

NM_014797.3(ZBTB24):c.1811A>G (p.Asn604Ser)

Gene: ZBTB24 (zinc finger and BTB domain containing 24; minus strand). Cytogenetic location: 6q21.
Variant type: single nucleotide variant.
Coding change: c.1811A>G on transcript NM_014797.3 (MANE Select); coding-DNA position 1811, A replaced by G.
Protein change: p.Asn604Ser; replaces asparagine 604 with serine.
Molecular consequence: missense variant.
Genome position (GRCh38, 1-based): chr6:109,466,134, T>C on the plus strand (A>G on the coding strand, the complement: ZBTB24 is on the minus strand). VCF-style: chr6-109466134-T-C. GRCh37 (hg19) VCF-style: chr6-109787337-T-C.
Other names: short protein forms N604S.
Identifiers: ClinVar variation 577255 (VCV000577255.1), dbSNP rs767566292, ClinGen allele CA3954013.